The following is an entry in ClinVar:

NM_006231.4(POLE):c.6439C>G (p.Pro2147Ala)

Gene: POLE (DNA polymerase epsilon, catalytic subunit; minus strand). Cytogenetic location: 12q24.33.
Variant type: single nucleotide variant.
Coding change: c.6439C>G on transcript NM_006231.4 (MANE Select); coding-DNA position 6439, C replaced by G.
Protein change: p.Pro2147Ala; replaces proline 2147 with alanine.
Molecular consequence: missense variant.
Genome position (GRCh38, 1-based): chr12:132,626,209, G>C on the plus strand (C>G on the coding strand, the complement: POLE is on the minus strand). VCF-style: chr12-132626209-G-C. GRCh37 (hg19) VCF-style: chr12-133202795-G-C.
Other names: short protein forms P2147A.
Identifiers: ClinVar variation 580450 (VCV000580450.12), dbSNP rs776658476, ClinGen allele CA6892179.

ClinVar aggregate classification (germline): Uncertain significance. Review status: criteria provided, multiple submitters, no conflicts (2 of 4 stars). 2 submissions from 2 submitters: Uncertain significance (2). Last evaluated 2025-07-10.

Conditions:
Hereditary cancer-predisposing syndrome. Also called: Neoplastic Syndromes, Hereditary; Tumor predisposition; Hereditary neoplastic syndrome; Hereditary Cancer Syndrome. Identifiers: Orphanet 140162, MedGen C0027672, MeSH D009386, MONDO:0015356.

Allele frequency attached by ClinVar (database versions not stated): TOPMed 0.00001.
gnomAD v4.1: 2 of 1,613,854 alleles (0.00012%); highest among the groups gnomAD compares: Admixed American, 0.0017%; no homozygotes.

Submissions (2):

Ambry Genetics
Classification: Uncertain significance for Hereditary cancer-predisposing syndrome. Last evaluated: 2025-07-10. Review status: criteria provided, single submitter. Criteria: Ambry Variant Classification Scheme 2023. Collection method: clinical testing. Allele origin: germline.
Comment: The p.P2147A variant (also known as c.6439C>G), located in coding exon 46 of the POLE gene, results from a C to G substitution at nucleotide position 6439. The proline at codon 2147 is replaced by alanine, an amino acid with highly similar properties. This amino acid position is conserved. In addition, the in silico prediction for this alteration is inconclusive. Since supporting evidence is limited at this time, the clinical significance of this alteration remains unclear.

Labcorp Genetics (formerly Invitae), Labcorp
Classification: Uncertain significance. Last evaluated: 2025-03-10. Review status: criteria provided, single submitter. Criteria: Invitae Variant Classification Sherloc (09022015). Collection method: clinical testing. Allele origin: germline.
Comment: This sequence change replaces proline, which is neutral and non-polar, with alanine, which is neutral and non-polar, at codon 2147 of the POLE protein (p.Pro2147Ala). This variant is present in population databases (rs776658476, gnomAD 0.003%). This variant has not been reported in the literature in individuals affected with POLE-related conditions. ClinVar contains an entry for this variant (Variation ID: 580450). Invitae Evidence Modeling of protein sequence and biophysical properties (such as structural, functional, and spatial information, amino acid conservation, physicochemical variation, residue mobility, and thermodynamic stability) indicates that this missense variant is not expected to disrupt POLE protein function with a negative predictive value of 80%. In summary, the available evidence is currently insufficient to determine the role of this variant in disease. Therefore, it has been classified as a Variant of Uncertain Significance.